The following is an entry in ClinVar:

NM_016824.5(ADD3):c.304T>C (p.Ser102Pro)

Gene: ADD3 (adducin 3; plus strand). Cytogenetic location: 10q25.2.
Variant type: single nucleotide variant.
Coding change: c.304T>C on transcript NM_016824.5 (MANE Select); coding-DNA position 304, T replaced by C.
Protein change: p.Ser102Pro; replaces serine 102 with proline.
Molecular consequence: missense variant.
Genome position (GRCh38, 1-based): chr10:110,112,885, T>C. VCF-style: chr10-110112885-T-C. GRCh37 (hg19) VCF-style: chr10-111872643-T-C.
Other names: c.304T>C, p.Ser102Pro (NM_001121.4, NM_001320591.2, NM_001320592.2 and 2 more transcripts); c.70T>C, p.Ser24Pro (NM_001320594.2); short protein forms S102P, S24P.
Identifiers: ClinVar variation 376951 (VCV000376951.15), dbSNP rs41291886, ClinGen allele CA5686301.
Genomic context (GRCh38, chr10:110,112,885, plus strand): 5'-GGCCACAACCCAACTGGATTACTAGCATTACAGCAGATTGCAGATTACATCATGGCCAAT[T>C]CTTTCTCGGGTTTTTCTTCACCTCCTCTCAGTATGTCAGTTTTGGAGAGTTTTAAACATT-3'
Protein context (NP_058432.1, residues 92-112): QQIADYIMAN[Ser102Pro]FSGFSSPPLS

ClinVar aggregate classification (germline): Benign/Likely benign. Review status: criteria provided, multiple submitters, no conflicts (2 of 4 stars). 3 submissions from 3 submitters: Benign (1); Likely benign (2). Last evaluated 2025-12-11.

Allele frequency attached by ClinVar (database versions not stated): gnomAD exomes 0.00128 and 0.00316; ExAC 0.00391; gnomAD 0.01140 and 0.01203; ESP Exome Variant Server 0.01246; TOPMed 0.01357; 1000 Genomes Project 0.01777; 1000 Genomes Project 30x 0.01843.
gnomAD v4.1: 3,702 of 1,613,978 alleles (0.23%); highest among the groups gnomAD compares: African/African-American, 4%; 55 homozygotes.

Submissions (3):

Labcorp Genetics (formerly Invitae), Labcorp
Classification: Benign. Last evaluated: 2025-12-11. Review status: criteria provided, single submitter. Criteria: Invitae Variant Classification Sherloc (09022015). Collection method: clinical testing. Allele origin: germline.

Center for Pediatric Genomic Medicine, Children's Mercy Hospital and Clinics
Classification: Likely benign. Last evaluated: 2016-12-30. Review status: criteria provided, single submitter. Criteria: ACMG Guidelines, 2015. Collection method: clinical testing. Allele origin: germline.
ClinVar note: Converted during submission from Likely Benign to Likely benign.

Breakthrough Genomics
Classification: Likely benign. Review status: criteria provided, single submitter. Criteria: ACMG Guidelines, 2015. Collection method: not provided. Allele origin: germline. Inheritance: Autosomal recessive inheritance. Affected: yes.